The following is an entry in ClinVar:

ClinVar aggregate classification (germline): Uncertain significance (1 of 4 stars; one submission).

Conditions:
Dyskeratosis congenita, autosomal recessive 1. Identifiers: Orphanet 1775, MedGen C1857144, MONDO:0009136, OMIM 224230.

Submission:

Labcorp Genetics (formerly Invitae), Labcorp
Classification: Uncertain significance for Dyskeratosis congenita, autosomal recessive 1. Last evaluated: 2025-07-07. Review status: criteria provided, single submitter. Criteria: Invitae Variant Classification Sherloc (09022015). Collection method: clinical testing. Allele origin: germline.
Comment: This sequence change is expected to alter the c-terminus of the NOP10 protein (p.Ile48Hisfs*22). While this is not anticipated to result in nonsense mediated decay, it is expected to disrupt the last 17 amino acid(s) of the NOP10 protein and extend the protein by 4 additional amino acid residues. This variant is not present in population databases (gnomAD no frequency). This variant has not been reported in the literature in individuals affected with NOP10-related conditions. ClinVar contains an entry for this variant (Variation ID: 1036993). Experimental studies and prediction algorithms are not available or were not evaluated, and the functional significance of this variant is currently unknown. In summary, the available evidence is currently insufficient to determine the role of this variant in disease. Therefore, it has been classified as a Variant of Uncertain Significance.

NM_018648.4(NOP10):c.141dup (p.Ile48fs)

Gene: NOP10 (NOP10 ribonucleoprotein; minus strand). Cytogenetic location: 15q14.
Variant type: Duplication.
Coding change: c.141dup on transcript NM_018648.4 (MANE Select); coding-DNA position 141, one base duplicated (C; older notation c.141dupC).
Protein change: p.Ile48fs; shifts the reading frame from isoleucine 48.
Molecular consequence: frameshift variant.
Genome position (GRCh38, 1-based): chr15:34,342,022, G duplicated on the plus strand (C on the coding strand, the reverse complement: NOP10 is on the minus strand); the first of 2 consecutive G bases (chr15:34,342,022-34,342,023); duplicating either gives the same sequence. VCF-style (leftmost placement, unchanged base first): chr15-34342021-T-TG. GRCh37 (hg19) VCF-style: chr15-34634222-T-TG.
Other names: short protein forms I48fs.
Identifiers: ClinVar variation 1036993 (VCV001036993.7), dbSNP rs1890485477, ClinGen allele CA2497388413.